The following is an entry in ClinVar:

NM_000274.4(OAT):c.697C>T (p.Gln233Ter)

Genes: OAT (ornithine aminotransferase; minus strand), LOC121815974 (Sharpr-MPRA regulatory region 15365; plus strand). Cytogenetic location: 10q26.13.
Variant type: single nucleotide variant.
Coding change: c.697C>T on transcript NM_000274.4 (MANE Select); coding-DNA position 697, C replaced by T.
Protein change: p.Gln233Ter; replaces glutamine 233 with a stop codon.
Molecular consequence: nonsense.
Genome position (GRCh38, 1-based): chr10:124,403,872, G>A on the plus strand (C>T on the coding strand, the complement: OAT is on the minus strand). VCF-style: chr10-124403872-G-A. GRCh37 (hg19) VCF-style: chr10-126092441-G-A.
Other names: c.283C>T, p.Gln95Ter (NM_001171814.2); c.697C>T, p.Gln233Ter (NM_001322965.2, NM_001322966.2, NM_001322967.2 and 3 more transcripts); c.376C>T, p.Gln126Ter (NM_001322971.2); c.97C>T, p.Gln33Ter (NM_001322974.2); short protein forms Q233*, Q126*, Q95*, Q33*.
Identifiers: ClinVar variation 2192304 (VCV002192304.4), dbSNP rs780716161, ClinGen allele CA378635839.
Genomic context (GRCh38, chr10:124,403,872, plus strand): 5'-AGAGCTCTCGCACTCCCATTAGGTAACCTGGATCCGGAACAACAACGCCTGCTTCACCCT[G>A]AATTGGTTCTACCATGAACGCAGCCACATTTGGATCCTGAAGAGCACGCTACAGAAGAAA-3'

ClinVar aggregate classification (germline): Pathogenic (1 of 4 stars; one submission).

Conditions:
Ornithine aminotransferase deficiency (GACR). Also called: Ornithine ketoacid aminotransferase deficiency; Gyrate atrophy; Gyrate atrophy of choroid and retina; Girate atrophy of the retina; OAT DEFICIENCY; OKT DEFICIENCY. Identifiers: Orphanet 414, MedGen C0018425, MONDO:0009796, OMIM 258870.

Allele frequency attached by ClinVar (database versions not stated): TOPMed 0.00001.

Submission:

Labcorp Genetics (formerly Invitae), Labcorp
Classification: Pathogenic for Ornithine aminotransferase deficiency. Last evaluated: 2022-04-25. Review status: criteria provided, single submitter. Criteria: Invitae Variant Classification Sherloc (09022015). Collection method: clinical testing. Allele origin: germline.
Comment: This sequence change creates a premature translational stop signal (p.Gln233*) in the OAT gene. It is expected to result in an absent or disrupted protein product. Loss-of-function variants in OAT are known to be pathogenic (PMID: 1737786, 23076989). This variant is not present in population databases (gnomAD no frequency). For these reasons, this variant has been classified as Pathogenic. Algorithms developed to predict the effect of sequence changes on RNA splicing suggest that this variant may disrupt the consensus splice site. This variant has not been reported in the literature in individuals affected with OAT-related conditions.

Literature cited by the submitters: PubMed 1737786; PubMed 23076989.